The following is an entry in ClinVar:

ClinVar aggregate classification (germline): Uncertain significance (1 of 4 stars; one submission).

Conditions:
Familial thoracic aortic aneurysm and aortic dissection (TAAD). Also called: Thoracic aortic aneurysms and dissections. Identifiers: Orphanet 91387, MedGen C4707243, MONDO:0019625.

Submission:

Labcorp Genetics (formerly Invitae), Labcorp
Classification: Uncertain significance for Familial thoracic aortic aneurysm and aortic dissection. Last evaluated: 2022-10-04. Review status: criteria provided, single submitter. Criteria: Invitae Variant Classification Sherloc (09022015). Collection method: clinical testing. Allele origin: germline.
Comment: In summary, the available evidence is currently insufficient to determine the role of this variant in disease. Therefore, it has been classified as a Variant of Uncertain Significance. Advanced modeling of protein sequence and biophysical properties (such as structural, functional, and spatial information, amino acid conservation, physicochemical variation, residue mobility, and thermodynamic stability) performed at Invitae indicates that this missense variant is not expected to disrupt TGFBR1 protein function. ClinVar contains an entry for this variant (Variation ID: 1509969). This variant has not been reported in the literature in individuals affected with TGFBR1-related conditions. This variant is not present in population databases (gnomAD no frequency). This sequence change replaces threonine, which is neutral and polar, with isoleucine, which is neutral and non-polar, at codon 364 of the TGFBR1 protein (p.Thr364Ile).

NM_004612.4(TGFBR1):c.1091C>T (p.Thr364Ile)

Gene: TGFBR1 (transforming growth factor beta receptor 1; plus strand). Cytogenetic location: 9q22.33.
Variant type: single nucleotide variant.
Coding change: c.1091C>T on transcript NM_004612.4 (MANE Select); coding-DNA position 1091, C replaced by T.
Protein change: p.Thr364Ile; replaces threonine 364 with isoleucine.
Molecular consequence: missense variant.
Genome position (GRCh38, 1-based): chr9:99,144,849, C>T. VCF-style: chr9-99144849-C-T. GRCh37 (hg19) VCF-style: chr9-101907131-C-T.
Other names: c.860C>T, p.Thr287Ile (NM_001130916.3); c.1103C>T, p.Thr368Ile (NM_001306210.2); short protein forms T287I, T364I, T368I.
Identifiers: ClinVar variation 1509969 (VCV001509969.8), dbSNP rs201050937, ClinGen allele CA374231610.
Genomic context (GRCh38, chr9:99,144,849, plus strand): 5'-ATGGAACTTGCTGTATTGCAGACTTAGGACTGGCAGTAAGACATGATTCAGCCACAGATA[C>T]CATTGATATTGCTCCAAACCACAGAGTGGGAACAAAAAGGTATACTTTTGAACAACTATA-3'
Protein context (NP_004603.1, residues 354-374): LAVRHDSATD[Thr364Ile]IDIAPNHRVG